The following is an entry in ClinVar:

NC_000013.11:g.(?_32329437)_(32341202_?)del

Gene: BRCA2 (BRCA2 DNA repair associated; plus strand). Cytogenetic location: 13q13.1.
Variant type: Deletion.
Identifiers: ClinVar variation 531550 (VCV000531550.10).

ClinVar aggregate classification (germline): Pathogenic (1 of 4 stars; one submission).

Conditions:
Hereditary breast ovarian cancer syndrome. Also called: Hereditary breast and ovarian cancer syndrome (HBOC); BRCA1- and BRCA2-Associated Hereditary Breast and Ovarian Cancer; Hereditary breast and ovarian cancer syndrome; Breast and ovarian cancer; Hereditary breast and ovarian cancer; Hereditary breast and/or ovarian cancer syndrome. Identifiers: Orphanet 145, MedGen C0677776, MeSH D061325, MONDO:0003582. Disease mechanism: loss of function.

Submission:

Labcorp Genetics (formerly Invitae), Labcorp
Classification: Pathogenic for Hereditary breast ovarian cancer syndrome. Last evaluated: 2017-08-04. Review status: criteria provided, single submitter. Criteria: Invitae Variant Classification Sherloc (09022015). Collection method: clinical testing. Allele origin: germline.
Comment: For these reasons, this variant has been classified as Pathogenic. Loss-of-function variants in BRCA2 are known to be pathogenic (PMID: 20104584). This variant has not been reported in the literature in individuals with BRCA2-related disease. This variant is a gross deletion of the genomic region encompassing all of exons 8-10 and most of exon 11 of the BRCA2 gene (c.631+194_4985del). This is expected to create a premature translational stop signal and result in an absent or disrupted protein product.

Literature cited by the submitters: PubMed 20104584.